The following is an entry in ClinVar:

ClinVar aggregate classification (germline): Uncertain significance (1 of 4 stars; one submission).

Allele frequency attached by ClinVar (database versions not stated): ExAC 0.00001; gnomAD exomes 0.00001.
gnomAD v4.1: 15 of 1,613,990 alleles (0.00093%); highest among the groups gnomAD compares: Non-Finnish European, 0.001%; no homozygotes.

Submission:

Labcorp Genetics (formerly Invitae), Labcorp
Classification: Uncertain significance. Last evaluated: 2022-01-16. Review status: criteria provided, single submitter. Criteria: Invitae Variant Classification Sherloc (09022015). Collection method: clinical testing. Allele origin: germline.
Comment: This sequence change replaces arginine, which is basic and polar, with glycine, which is neutral and non-polar, at codon 202 of the GORAB protein (p.Arg202Gly). This variant is present in population databases (rs745963369, gnomAD 0.002%). This variant has not been reported in the literature in individuals affected with GORAB-related conditions. Algorithms developed to predict the effect of missense changes on protein structure and function are either unavailable or do not agree on the potential impact of this missense change (SIFT: "Deleterious"; PolyPhen-2: "Probably Damaging"; Align-GVGD: "Class C15"). In summary, the available evidence is currently insufficient to determine the role of this variant in disease. Therefore, it has been classified as a Variant of Uncertain Significance.

NM_152281.3(GORAB):c.529A>G (p.Arg177Gly)

Gene: GORAB (golgin, RAB6 interacting; plus strand). Cytogenetic location: 1q24.2.
Variant type: single nucleotide variant.
Coding change: c.529A>G on transcript NM_152281.3 (MANE Select); coding-DNA position 529, A replaced by G.
Protein change: p.Arg177Gly; replaces arginine 177 with glycine.
Molecular consequence: missense variant. On other transcripts: non-coding transcript variant (1).
Genome position (GRCh38, 1-based): chr1:170,544,712, A>G. VCF-style: chr1-170544712-A-G. GRCh37 (hg19) VCF-style: chr1-170513853-A-G.
Other names: c.529A>G, p.Arg177Gly (NM_001146039.2); c.64A>G, p.Arg22Gly (NM_001320252.2); c.478A>G, p.Arg160Gly (NM_001410894.1); short protein forms R160G, R177G, R22G.
Identifiers: ClinVar variation 1986409 (VCV001986409.1), dbSNP rs745963369, ClinGen allele CA1239171.